The following is an entry in ClinVar:

NM_020877.5(DNAH2):c.934T>A (p.Ser312Thr)

Gene: DNAH2 (dynein axonemal heavy chain 2; plus strand). Cytogenetic location: 17p13.1.
Variant type: single nucleotide variant.
Coding change: c.934T>A on transcript NM_020877.5 (MANE Select); coding-DNA position 934, T replaced by A.
Protein change: p.Ser312Thr; replaces serine 312 with threonine.
Molecular consequence: missense variant.
Genome position (GRCh38, 1-based): chr17:7,734,664, T>A. VCF-style: chr17-7734664-T-A. GRCh37 (hg19) VCF-style: chr17-7637982-T-A.
Other names: c.934T>A, p.Ser312Thr (NM_001303270.2); short protein forms S312T.
Identifiers: ClinVar variation 3053051 (VCV003053051.2), dbSNP rs3744254, ClinGen allele CA8355983.

ClinVar aggregate classification (germline): Benign (0 of 4 stars; one submission).

Conditions:
DNAH2-related disorder. Also called: DNAH2-related condition.

Allele frequency attached by ClinVar (database versions not stated): ESP Exome Variant Server 0.00008; gnomAD exomes 0.00048; gnomAD 0.00053; TOPMed 0.00074; ExAC 0.00101; 1000 Genomes Project 30x 0.00141; 1000 Genomes Project 0.00160.
gnomAD v4.1: 780 of 1,612,996 alleles (0.048%); highest among the groups gnomAD compares: East Asian, 1.3%; 2 homozygotes.

Submission:

PreventionGenetics, part of Exact Sciences
Classification: Benign for DNAH2-related condition. Last evaluated: 2019-08-20. Review status: no assertion criteria provided. Collection method: clinical testing. Allele origin: germline.
Comment: This variant is classified as benign based on ACMG/AMP sequence variant interpretation guidelines (Richards et al. 2015 PMID: 25741868, with internal and published modifications).